The following is an entry in ClinVar:

ClinVar aggregate classification (germline): Likely benign (0 of 4 stars; one submission).

Conditions:
EP300-related disorder. Also called: EP300-related disorders; EP300-related condition.

gnomAD v4.1: 5 of 1,614,028 alleles (0.00031%); highest among the groups gnomAD compares: Non-Finnish European, 0.00042%; no homozygotes.

Submission:

PreventionGenetics, part of Exact Sciences
Classification: Likely benign for EP300-related condition. Last evaluated: 2022-02-07. Review status: no assertion criteria provided. Collection method: clinical testing. Allele origin: germline.
Comment: This variant is classified as likely benign based on ACMG/AMP sequence variant interpretation guidelines (Richards et al. 2015 PMID: 25741868, with internal and published modifications).

NM_001429.4(EP300):c.1581T>C (p.Leu527=)

Gene: EP300 (E1A binding protein p300; plus strand). Cytogenetic location: 22q13.2.
Variant type: single nucleotide variant.
Coding change: c.1581T>C on transcript NM_001429.4 (MANE Select); coding-DNA position 1581, T replaced by C.
Protein change: p.Leu527=; no amino-acid change (leucine 527 retained).
Molecular consequence: synonymous variant.
Genome position (GRCh38, 1-based): chr22:41,135,865, T>C. VCF-style: chr22-41135865-T-C. GRCh37 (hg19) VCF-style: chr22-41531869-T-C.
Other names: c.1581T>C, p.Leu527= (NM_001362843.2).
Identifiers: ClinVar variation 3355355 (VCV003355355.1).